The following is an entry in ClinVar:

ClinVar aggregate classification (germline): Uncertain significance (1 of 4 stars; one submission).

Allele frequency attached by ClinVar (database versions not stated): gnomAD exomes below 0.00001.
gnomAD v4.1: 11 of 1,609,998 alleles (0.00068%); highest among the groups gnomAD compares: Non-Finnish European, 0.00094%; no homozygotes.

Submission:

Labcorp Genetics (formerly Invitae), Labcorp
Classification: Uncertain significance. Last evaluated: 2024-12-05. Review status: criteria provided, single submitter. Criteria: Invitae Variant Classification Sherloc (09022015). Collection method: clinical testing. Allele origin: germline.
Comment: This sequence change replaces threonine, which is neutral and polar, with proline, which is neutral and non-polar, at codon 261 of the ASAH1 protein (p.Thr261Pro). This variant is present in population databases (no rsID available, gnomAD 0.0009%). This variant has not been reported in the literature in individuals affected with ASAH1-related conditions. ClinVar contains an entry for this variant (Variation ID: 1435570). Invitae Evidence Modeling of protein sequence and biophysical properties (such as structural, functional, and spatial information, amino acid conservation, physicochemical variation, residue mobility, and thermodynamic stability) indicates that this missense variant is not expected to disrupt ASAH1 protein function with a negative predictive value of 80%. In summary, the available evidence is currently insufficient to determine the role of this variant in disease. Therefore, it has been classified as a Variant of Uncertain Significance.

NM_177924.5(ASAH1):c.781A>C (p.Thr261Pro)

Gene: ASAH1 (N-acylsphingosine amidohydrolase 1; minus strand). Cytogenetic location: 8p22.
Variant type: single nucleotide variant.
Coding change: c.781A>C on transcript NM_177924.5 (MANE Select); coding-DNA position 781, A replaced by C.
Protein change: p.Thr261Pro; replaces threonine 261 with proline.
Molecular consequence: missense variant.
Genome position (GRCh38, 1-based): chr8:18,061,381, T>G on the plus strand (A>C on the coding strand, the complement: ASAH1 is on the minus strand). VCF-style: chr8-18061381-T-G. GRCh37 (hg19) VCF-style: chr8-17918890-T-G.
Other names: c.763A>C, p.Thr255Pro (NM_001127505.3); c.586A>C, p.Thr196Pro (NM_001363743.2); c.829A>C, p.Thr277Pro (NM_004315.6); short protein forms T255P, T261P, T196P, T277P.
Identifiers: ClinVar variation 1435570 (VCV001435570.6), dbSNP rs1392247895, ClinGen allele CA370429247.